The following is an entry in ClinVar:

ClinVar aggregate classification (germline): Likely benign. Review status: criteria provided, multiple submitters, no conflicts (2 of 4 stars). 3 submissions from 3 submitters: Likely benign (2). 1 of the submissions does not count toward it. Last evaluated 2025-10-09.

Conditions:
SLC44A4-related disorder. Also called: SLC44A4-related condition.

Allele frequency attached by ClinVar (database versions not stated): 1000 Genomes Project 30x 0.00016; 1000 Genomes Project 0.00020; TOPMed 0.00091; ESP Exome Variant Server 0.00107; ExAC 0.00111; gnomAD exomes 0.00194.
gnomAD v4.1: 2,930 of 1,610,370 alleles (0.18%); highest among the groups gnomAD compares: Non-Finnish European, 0.23%; 4 homozygotes.

Submissions (3):

Labcorp Genetics (formerly Invitae), Labcorp
Classification: Likely benign. Last evaluated: 2025-10-09. Review status: criteria provided, single submitter. Criteria: Invitae Variant Classification Sherloc (09022015). Collection method: clinical testing. Allele origin: germline.

Blueprint Genetics
Classification: Likely benign. Last evaluated: 2024-11-22. Review status: criteria provided, single submitter. Criteria: ACMG Guidelines, 2015. Collection method: clinical testing. Allele origin: germline.

PreventionGenetics, part of Exact Sciences
Classification: Likely benign for SLC44A4-related condition. Last evaluated: 2022-12-12. Review status: no assertion criteria provided. Collection method: clinical testing. Allele origin: germline. Not counted in ClinVar's aggregate classification.
Comment: This variant is classified as likely benign based on ACMG/AMP sequence variant interpretation guidelines (Richards et al. 2015 PMID: 25741868, with internal and published modifications).

NM_025257.3(SLC44A4):c.1171G>C (p.Ala391Pro)

Gene: SLC44A4 (solute carrier family 44 member 4; minus strand). Cytogenetic location: 6p21.33.
Variant type: single nucleotide variant.
Coding change: c.1171G>C on transcript NM_025257.3 (MANE Select); coding-DNA position 1171, G replaced by C.
Protein change: p.Ala391Pro; replaces alanine 391 with proline.
Molecular consequence: missense variant.
Genome position (GRCh38, 1-based): chr6:31,869,217, C>G on the plus strand (G>C on the coding strand, the complement: SLC44A4 is on the minus strand). VCF-style: chr6-31869217-C-G. GRCh37 (hg19) VCF-style: chr6-31836994-C-G.
Other names: c.1045G>C, p.Ala349Pro (NM_001178044.2); c.943G>C, p.Ala315Pro (NM_001178045.2); c.1171G>C, p.Ala391Pro (NM_032794.1); c.1171G>C (NM_025257.2); short protein forms A349P, A391P, A315P.
Identifiers: ClinVar variation 2044984 (VCV002044984.7), dbSNP rs146294980, ClinGen allele CA3725465.